The following continues an entry in ClinVar:

NM_001195248.2(APTX):c.837G>A (p.Trp279Ter)

Gene: APTX. ClinVar aggregate classification (germline): Pathogenic. Pathogenic (19).

Submissions 12 to 24 of 24:

GeneDx
Classification: Pathogenic. Last evaluated: 2022-01-26. Review status: criteria provided, single submitter. Criteria: GeneDx Variant Classification Process June 2021. Collection method: clinical testing. Allele origin: germline. Affected: yes.
Comment: Published functional studies demonstrate a damaging effect indicating that W279X is associated with no Aprataxin activity (Seidle et al., 2005); Nonsense variant in the C-terminus predicted to result in protein truncation, as the last 64 amino acids are lost, and other loss-of-function variants have been reported downstream in the Human Gene Mutation Database (HGMD); This variant is associated with the following publications: (PMID: 11294920, 16400613, 25989649, 15699391, 11586300, 12629250, 17242337, 21465257, 31493945, 29891053, 15790557, 32750061, 31589614, 30609409, 29482223, 32214227, 15996403, 29913018, 15800456, 32488064, 29356829, 16700949, 29915382, 25525159, 34426522, 15164193, 32769066, 32606550, 33101765)

CeGaT Center for Human Genetics Tuebingen
Classification: Pathogenic. Last evaluated: 2022-01-01. Review status: criteria provided, single submitter. Criteria: CeGaT Center For Human Genetics Tuebingen Variant Classification Criteria Version 2. Collection method: clinical testing. Allele origin: germline. Affected: yes. Observed: 5 variant alleles.

Cambridge Genomics Laboratory, East Genomic Laboratory Hub, NHS Genomic Medicine Service
Classification: Pathogenic for Hereditary ataxia. Last evaluated: 2019-09-03. Review status: criteria provided, single submitter. Criteria: ACGS Best Practice Guidelines for Variant Classification in Rare Disease 2020. Collection method: clinical testing. Allele origin: germline. Affected: yes. Observed: 1 variant allele.

Illumina Laboratory Services, Illumina
Classification: Pathogenic for Ataxia, early-onset, with oculomotor apraxia and hypoalbuminemia. Last evaluated: 2017-09-08. Review status: criteria provided, single submitter. Criteria: ICSL Variant Classification Criteria 09 May 2019. Collection method: clinical testing. Allele origin: germline.
Comment: The APTX c.837G>A (p.Trp279Ter) variant is a stop-gained variant predicted to result in premature termination of the protein. Across a selection of the available literature, the p.Trp279Ter variant has been reported in 27 individuals with ataxia with oculomotor apraxia, type 1 (AOA1), including in 19 individuals from 17 families in a homozygous state, in seven individuals from five families in a compound heterozygous state, and in a heterozygous state in one individual in whom a second variant could not be identified (Moreira et al. 2001; Tranchant et al. 2003; Quinzii et al. 2005; Le Ber et al. 2007; Castellotti et al. 2011). The p.Trp279Ter variant was shown to co-segregate with the disease in one family and has been associated with a Portuguese founding haplotype. The variant causes the loss of approximately 19% of the aprataxin protein, including the zinc-finger domain that represents a putative DNA binding site, suggesting it may have a deleterious effect on the protein's proposed role in DNA repair. Control data are unavailable for this variant, which is reported at a frequency of 0.000349 in the European American population of the Exome Sequencing Project. Based on the collective evidence and the potential impact of stop-gained variants, the p.Trp279Ter variant is classified as pathogenic for ataxia with oculomotor apraxia, type 1. This variant was observed by ICSL as part of a predisposition screen in an ostensibly healthy population.

Laboratory for Molecular Medicine, Mass General Brigham Personalized Medicine
Classification: Pathogenic for Ataxia, early-onset, with oculomotor apraxia and hypoalbuminemia. Last evaluated: 2016-04-27. Review status: criteria provided, single submitter. Criteria: LMM Criteria. Collection method: clinical testing. Allele origin: germline. Inheritance: Autosomal recessive inheritance. Observed: 1 variant allele.
Comment: The p.Trp279X variant in APTX has been reported in 15 families with ataxia-oculo motor apraxia 1. In 12 of the families, affected individuals carried the variant in a homozygous state (Moreira 2001, Barbot 2001, Tranchant 2003, Le Ber 2003), whereas in 2 of the families the patients were compound heterozygotes (Tranchan t 2003, Le Ber 2003). This variant has also been identified in 13/121,084 chromo somes by the Exome Aggregation Consortium (ExAC; dbSNP rs104894103). Although this variant has been seen in the general populati on, its frequency is low enough to be consistent with a recessive carrier freque ncy. This nonsense variant leads to a premature termination codon at position 27 9, which is predicted to lead to a truncated or absent protein. Loss of function of the APTX gene is associated with ataxia-oculomotor apraxia 1. In summary, t his variant meets our criteria to be classified as pathogenic for ataxia-oculomo tor apraxia 1 in an autosomal recessive manner based upon biallelic case observa tions, low frequency in control populations and predicted loss of function impac t.

Genetic Services Laboratory, University of Chicago
Classification: Pathogenic for Ataxia, early-onset, with oculomotor apraxia and hypoalbuminemia. Last evaluated: 2015-11-23. Review status: criteria provided, single submitter. Criteria: ACMG Guidelines, 2015. Collection method: clinical testing. Allele origin: germline. Affected: yes.

Center for Pediatric Genomic Medicine, Children's Mercy Hospital and Clinics
Classification: Pathogenic. Last evaluated: 2014-08-26. Review status: criteria provided, single submitter. Criteria: ACMG Guidelines, 2015. Collection method: clinical testing. Allele origin: germline.

UNC Molecular Genetics  Laboratory, University of North Carolina at Chapel Hill
Classification: Pathogenic for Ataxia-oculomotor apraxia type 1. Review status: criteria provided, single submitter. Criteria: ACMG Guidelines, 2015. Collection method: research. Allele origin: germline. Affected: no. Observed: 1 variant allele. Study: NSIGHT-NC NEXUS.
Comment: The pathogenic APTX c.837G>A (p.W279*) nonsense variant is predicted to result in nonsense-mediated decay or premature termination of the APTX protein. This variant has been reported in the homozygous or compound heterozygous state in multiple individuals with ataxia with oculomotor apraxia type 1 (PMID: 11586300; 14506070; 12629250; 15164193; 21465257).

carrier finding

Section for Clinical Neurogenetics, University of Tübingen
Classification: Pathogenic for Ataxia, early-onset, with oculomotor apraxia and hypoalbuminemia. Last evaluated: 2019-08-01. Review status: no assertion criteria provided. Collection method: research. Allele origin: germline. Affected: yes. Not counted in ClinVar's aggregate classification.

OMIM
Classification: Pathogenic for ATAXIA, EARLY-ONSET, WITH OCULOMOTOR APRAXIA AND HYPOALBUMINEMIA. Last evaluated: 2011-08-01. Review status: no assertion criteria provided. Collection method: literature only. Allele origin: germline. Not counted in ClinVar's aggregate classification.

Clinical Genetics DNA and cytogenetics Diagnostics Lab, Erasmus MC, Erasmus Medical Center
Classification: Pathogenic. Review status: no assertion criteria provided. Collection method: clinical testing. Allele origin: germline. Affected: yes. Study: VKGL Data-share Consensus. Not counted in ClinVar's aggregate classification.

Genome Diagnostics Laboratory, Amsterdam University Medical Center
Classification: Pathogenic. Review status: no assertion criteria provided. Collection method: clinical testing. Allele origin: germline. Affected: yes. Study: VKGL Data-share Consensus. Not counted in ClinVar's aggregate classification.

Joint Genome Diagnostic Labs from Nijmegen and Maastricht, Radboudumc and MUMC+
Classification: Pathogenic. Review status: no assertion criteria provided. Collection method: clinical testing. Allele origin: germline. Affected: yes. Study: VKGL Data-share Consensus. Not counted in ClinVar's aggregate classification.

Literature cited by the submitters: PubMed 32750061 (cited by 3 submitters); PubMed 26068213 (cited by Dasa); PubMed 33101765 (cited by Dasa); PubMed 35426160 (cited by Dasa); PubMed 29356829 (cited by 4 submitters); PubMed 15790557 (cited by 5 submitters); PubMed 35420381 (cited by Variantyx, Inc.); PubMed 16700949 (cited by 4 submitters); PubMed 32214227 (cited by 3 submitters); PubMed 11586300 (cited by 8 submitters); PubMed 14506070 (cited by 5 submitters); PubMed 21465257 (cited by 4 submitters); PubMed 15996403 (cited by 3 submitters); PubMed 29482223 (cited by Athena Diagnostics and Labcorp Genetics (formerly Invitae), Labcorp); PubMed 15164193 (cited by Athena Diagnostics and UNC Molecular Genetics  Laboratory, University of North Carolina at Chapel Hill); PubMed 12629250 (cited by 7 submitters); PubMed 31493945 (cited by Athena Diagnostics); PubMed 32606550 (cited by Athena Diagnostics); PubMed 18403580 (cited by Athena Diagnostics); PubMed 17242337 (cited by Illumina Laboratory Services, Illumina and OMIM); PubMed 15699391 (cited by Illumina Laboratory Services, Illumina and OMIM); PubMed 11176957 (cited by Laboratory for Molecular Medicine, Mass General Brigham Personalized Medicine); PubMed 11294920 (cited by OMIM); PubMed 16400613 (cited by OMIM).